The following is an entry in ClinVar:

ClinVar aggregate classification (germline): Uncertain significance (1 of 4 stars; one submission).

Conditions:
Generalized epilepsy with febrile seizures plus, type 7 (GEFSP7). Also called: GEFS+, TYPE 7. Identifiers: Orphanet 36387, MedGen C2751778, MONDO:0013470, OMIM 613863.
Neuropathy, hereditary sensory and autonomic, type 2A (HSAN2A). Also called: WNK1-Related HSAN2 (HSAN2A); MORVAN DISEASE; NEUROPATHY, CONGENITAL SENSORY; NEUROPATHY, HEREDITARY SENSORY RADICULAR, AUTOSOMAL RECESSIVE; NEUROPATHY, HEREDITARY SENSORY, TYPE IIA; NEUROPATHY, PROGRESSIVE SENSORY, OF CHILDREN. Identifiers: Orphanet 970, MedGen C2752089, MONDO:0024309, OMIM 201300.

Submission:

Labcorp Genetics (formerly Invitae), Labcorp
Classification: Uncertain significance for Neuropathy, hereditary sensory and autonomic, type 2A; Generalized epilepsy with febrile seizures plus, type 7. Last evaluated: 2023-12-16. Review status: criteria provided, single submitter. Criteria: Invitae Variant Classification Sherloc (09022015). Collection method: clinical testing. Allele origin: germline.
Comment: This sequence change replaces lysine, which is basic and polar, with threonine, which is neutral and polar, at codon 1790 of the SCN9A protein (p.Lys1790Thr). This variant is not present in population databases (gnomAD no frequency). This variant has not been reported in the literature in individuals affected with SCN9A-related conditions. ClinVar contains an entry for this variant (Variation ID: 1408662). Advanced modeling of protein sequence and biophysical properties (such as structural, functional, and spatial information, amino acid conservation, physicochemical variation, residue mobility, and thermodynamic stability) performed at Invitae indicates that this missense variant is not expected to disrupt SCN9A protein function with a negative predictive value of 95%. In summary, the available evidence is currently insufficient to determine the role of this variant in disease. Therefore, it has been classified as a Variant of Uncertain Significance.

NM_001365536.1(SCN9A):c.5402A>C (p.Lys1801Thr)

Genes: SCN1A-AS1 (SCN1A and SCN9A antisense RNA 1; plus strand), SCN9A (sodium voltage-gated channel alpha subunit 9; minus strand). Cytogenetic location: 2q24.3.
Variant type: single nucleotide variant.
Coding change: c.5402A>C on transcript NM_001365536.1 (MANE Select); coding-DNA position 5402, A replaced by C.
Protein change: p.Lys1801Thr; replaces lysine 1801 with threonine.
Molecular consequence: missense variant.
Genome position (GRCh38, 1-based): chr2:166,199,237, T>G on the plus strand (A>C on the coding strand, the complement: SCN9A is on the minus strand). VCF-style: chr2-166199237-T-G. GRCh37 (hg19) VCF-style: chr2-167055747-T-G.
Other names: c.5369A>C, p.Lys1790Thr (NM_002977.4); short protein forms K1801T, K1790T.
Identifiers: ClinVar variation 1408662 (VCV001408662.6), dbSNP rs2106336916, ClinGen allele CA349053018.